The following is an entry in ClinVar:

ClinVar aggregate classification (germline): Uncertain significance (1 of 4 stars; one submission).

Submission:

CeGaT Center for Human Genetics Tuebingen
Classification: Uncertain significance. Last evaluated: 2026-09-01. Review status: criteria provided, single submitter. Criteria: CeGaT Center For Human Genetics Tuebingen Variant Classification Criteria Version 2. Collection method: clinical testing. Allele origin: germline. Affected: yes. Observed: 1 variant allele.
Comment: SYNE1: PM2, BP4

NM_182961.4(SYNE1):c.23161G>A (p.Val7721Ile)

Gene: SYNE1 (spectrin repeat containing nuclear envelope protein 1; minus strand). Cytogenetic location: 6q25.2.
Variant type: single nucleotide variant.
Coding change: c.23161G>A on transcript NM_182961.4 (MANE Select); coding-DNA position 23161, G replaced by A.
Protein change: p.Val7721Ile; replaces valine 7721 with isoleucine.
Molecular consequence: missense variant.
Genome position (GRCh38, 1-based): chr6:152,189,392, C>T on the plus strand (G>A on the coding strand, the complement: SYNE1 is on the minus strand). VCF-style: chr6-152189392-C-T. GRCh37 (hg19) VCF-style: chr6-152510527-C-T.
Other names: c.22948G>A, p.Val7650Ile (NM_033071.5); short protein forms V7650I, V7721I.
Identifiers: ClinVar variation 5041408 (VCV005041408.1).
Genomic context (GRCh38, chr6:152,189,392, plus strand): 5'-AGGCAGAGAGGGTGTCCTTCAGCAGGCTCAACTGGGTCAAGTCATCTGTCCAGCTCCCAA[C>T]TGCATTTTCTAATTCCTAAATAAAAAAACAAACTTGAATACCCACGGACATCTCCTGCCA-3'
Protein context (NP_892006.3, residues 7711-7731): QMRCKELENA[Val7721Ile]GSWTDDLTQL